The following is an entry in ClinVar:

NM_014243.3(ADAMTS3):c.3365G>A (p.Ser1122Asn)

Gene: ADAMTS3 (ADAM metallopeptidase with thrombospondin type 1 motif 3; minus strand). Cytogenetic location: 4q13.3.
Variant type: single nucleotide variant.
Coding change: c.3365G>A on transcript NM_014243.3 (MANE Select); coding-DNA position 3365, G replaced by A.
Protein change: p.Ser1122Asn; replaces serine 1122 with asparagine.
Molecular consequence: missense variant.
Genome position (GRCh38, 1-based): chr4:72,283,389, C>T on the plus strand (G>A on the coding strand, the complement: ADAMTS3 is on the minus strand). VCF-style: chr4-72283389-C-T. GRCh37 (hg19) VCF-style: chr4-73149106-C-T.
Other names: c.3365G>A (NM_014243.2); short protein forms S1122N.
Identifiers: ClinVar variation 2654804 (VCV002654804.26), dbSNP rs148581726, ClinGen allele CA2956383.

ClinVar aggregate classification (germline): Conflicting classifications of pathogenicity. Review status: criteria provided, conflicting classifications (1 of 4 stars). 3 submissions from 3 submitters: Uncertain significance (1); Benign (1). 1 of the submissions does not count toward it. Last evaluated 2024-11-01.

Conditions:
ADAMTS3-related disorder. Also called: ADAMTS3-related condition.
Inborn genetic diseases. Identifiers: MedGen C0950123, MeSH D030342.

Allele frequency attached by ClinVar (database versions not stated): ESP Exome Variant Server 0.00038; TOPMed 0.00044; gnomAD 0.00058; gnomAD exomes 0.00091; 1000 Genomes Project 0.00100; 1000 Genomes Project 30x 0.00109; ExAC 0.00182.
gnomAD v4.1: 1,423 of 1,613,748 alleles (0.088%); highest among the groups gnomAD compares: South Asian, 1%; 15 homozygotes.

Submissions (3):

CeGaT Center for Human Genetics Tuebingen
Classification: Benign. Last evaluated: 2024-11-01. Review status: criteria provided, single submitter. Criteria: CeGaT Center For Human Genetics Tuebingen Variant Classification Criteria Version 2. Collection method: clinical testing. Allele origin: germline. Affected: yes. Observed: 4 variant alleles.
Comment: ADAMTS3: BP4, BS1, BS2

Ambry Genetics
Classification: Uncertain significance for Inborn genetic diseases. Last evaluated: 2024-08-14. Review status: criteria provided, single submitter. Criteria: Ambry Variant Classification Scheme 2023. Collection method: clinical testing. Allele origin: germline.

PreventionGenetics, part of Exact Sciences
Classification: Likely benign for ADAMTS3-related condition. Last evaluated: 2023-10-01. Review status: no assertion criteria provided. Collection method: clinical testing. Allele origin: germline. Not counted in ClinVar's aggregate classification.
Comment: This variant is classified as likely benign based on ACMG/AMP sequence variant interpretation guidelines (Richards et al. 2015 PMID: 25741868, with internal and published modifications).